The following is an entry in ClinVar:

ClinVar aggregate classification (germline): Conflicting classifications of pathogenicity. Review status: criteria provided, conflicting classifications (1 of 4 stars). 7 submissions from 7 submitters: Uncertain significance (1); Benign (4); Likely benign (2). Last evaluated 2025-11-30.

Conditions:
Hereditary pancreatitis (PCTT). Also called: PRSS1-Related Hereditary Pancreatitis; Hereditary chronic pancreatitis. Identifiers: Orphanet 676, MedGen C0238339, MONDO:0008185, OMIM 167800.

Allele frequency attached by ClinVar (database versions not stated): 1000 Genomes Project 30x 0.00047; 1000 Genomes Project 0.00060; TOPMed 0.00114; gnomAD 0.00119 and 0.00133; ESP Exome Variant Server 0.00161.
gnomAD v4.1: 347 of 1,612,626 alleles (0.022%); highest among the groups gnomAD compares: African/African-American, 0.4%; 3 homozygotes.

Submissions (7):

Labcorp Genetics (formerly Invitae), Labcorp
Classification: Benign for Hereditary pancreatitis. Last evaluated: 2025-11-30. Review status: criteria provided, single submitter. Criteria: Invitae Variant Classification Sherloc (09022015). Collection method: clinical testing. Allele origin: germline.

ARUP Laboratories, Molecular Genetics and Genomics, ARUP Laboratories
Classification: Benign. Last evaluated: 2023-09-25. Review status: criteria provided, single submitter. Criteria: ARUP Molecular Germline Variant Investigation Process 2024. Collection method: clinical testing. Allele origin: germline.

KCCC/NGS Laboratory, Kuwait Cancer Control Center
Classification: Benign for Hereditary pancreatitis. Last evaluated: 2023-07-07. Review status: criteria provided, single submitter. Criteria: ACMG Guidelines, 2015. Collection method: clinical testing. Allele origin: germline. Affected: yes.

Sema4
Classification: Likely benign for Hereditary pancreatitis. Last evaluated: 2020-04-28. Review status: criteria provided, single submitter. Criteria: Sema4 Curation Guidelines. Collection method: curation. Allele origin: germline.

Illumina Laboratory Services, Illumina
Classification: Uncertain significance for Hereditary pancreatitis. Last evaluated: 2018-01-12. Review status: criteria provided, single submitter. Criteria: ICSL Variant Classification Criteria 13 December 2019. Collection method: clinical testing. Allele origin: germline.

Women's Health and Genetics/Laboratory Corporation of America, LabCorp
Classification: Benign. Last evaluated: 2017-12-27. Review status: criteria provided, single submitter. Criteria: LabCorp Variant Classification Summary - May 2015. Collection method: clinical testing. Allele origin: germline.
Comment: Variant summary: The SPINK1 c.75C>T (p.Ser25=) variant involves the alteration of a non-conserved nucleotide, resulting in a synonymous change. One in silico tool predicts a benign outcome for this variant. 5/5 splice prediction tools predict no significant impact on normal splicing. ESE finder predicts that this variant may affect ESE site of SF2/ASF, SRp40 and SC35. However, a functional study confirmed this variant does not alter the splicing and expression level of the SPINK1 mRNA (Wu_2017). This variant was found in 108/276272 control chromosomes, predominantly observed in the African subpopulation at a frequency of 0.003911 (94/24032). This frequency is about 16 times the estimated maximal expected allele frequency of a pathogenic SPINK1 variant (0.00025), suggesting this is likely a benign polymorphism found primarily in the populations of African origin. The variant was reported in a population study where it was found with similar frequencies among patients and normal controls, therefore does not seem to increase the susceptibility for pancreatitis in this study (Bernardino_2003). In addition, one clinical diagnostic laboratory classified this variant as benign. Taken together, this variant is classified as benign.

Ambry Genetics
Classification: Likely benign for Hereditary pancreatitis. Last evaluated: 2014-06-10. Review status: criteria provided, single submitter. Criteria: Ambry Variant Classification Scheme 2023. Collection method: clinical testing. Allele origin: germline.

Literature cited by the submitters: PubMed 14526128 (cited by Women's Health and Genetics/Laboratory Corporation of America, LabCorp); PubMed 28994706 (cited by Women's Health and Genetics/Laboratory Corporation of America, LabCorp); PubMed 20510827 (cited by Women's Health and Genetics/Laboratory Corporation of America, LabCorp).

NM_001379610.1(SPINK1):c.75C>T (p.Ser25=)

Gene: SPINK1 (serine peptidase inhibitor Kazal type 1; minus strand). Cytogenetic location: 5q32.
Variant type: single nucleotide variant.
Coding change: c.75C>T on transcript NM_001379610.1 (MANE Select); coding-DNA position 75, C replaced by T.
Protein change: p.Ser25=; no amino-acid change (serine 25 retained).
Molecular consequence: synonymous variant.
Genome position (GRCh38, 1-based): chr5:147,829,611, G>A on the plus strand (C>T on the coding strand, the complement: SPINK1 is on the minus strand). VCF-style: chr5-147829611-G-A. GRCh37 (hg19) VCF-style: chr5-147209174-G-A.
Other names: c.75C>T, p.Ser25= (NM_001354966.2, NM_003122.5).
Identifiers: ClinVar variation 416320 (VCV000416320.29), dbSNP rs35006579, ClinGen allele CA3494810.